The following is an entry in ClinVar:

NM_000016.6(ACADM):c.443G>A (p.Arg148Lys)

Gene: ACADM (acyl-CoA dehydrogenase medium chain; plus strand). Cytogenetic location: 1p31.1.
Variant type: single nucleotide variant.
Coding change: c.443G>A on transcript NM_000016.6 (MANE Select); coding-DNA position 443, G replaced by A.
Protein change: p.Arg148Lys; replaces arginine 148 with lysine.
Molecular consequence: missense variant. On other transcripts: intron variant (1).
Genome position (GRCh38, 1-based): chr1:75,734,846, G>A. VCF-style: chr1-75734846-G-A. GRCh37 (hg19) VCF-style: chr1-76200531-G-A.
Other names: p.R148K:AGA>AAA; c.455G>A, p.Arg152Lys (NM_001127328.3); c.335G>A, p.Arg112Lys (NM_001286042.2); c.542G>A, p.Arg181Lys (NM_001286043.2); c.-100+1924G>A (NM_001286044.2); short protein forms R152K, R148K, R112K, R181K.
Identifiers: ClinVar variation 198025 (VCV000198025.43), dbSNP rs778906552, ClinGen allele CA303029.

ClinVar aggregate classification (germline): Pathogenic/Likely pathogenic. Review status: criteria provided, multiple submitters, no conflicts (2 of 4 stars). 12 submissions from 12 submitters: Pathogenic (7); Likely pathogenic (4). 1 of the submissions does not count toward it. Last evaluated 2026-01-21.

Conditions:
ACADM-related disorder. Also called: ACADM-related condition.
Medium-chain acyl-coenzyme A dehydrogenase deficiency (ACADMD). Also called: ACADM DEFICIENCY; CARNITINE DEFICIENCY SECONDARY TO MEDIUM-CHAIN ACYL-CoA DEHYDROGENASE DEFICIENCY; Medium chain acyl-CoA dehydrogenase deficiency; MCAD Deficiency; MCADD; MCADH DEFICIENCY. Identifiers: Orphanet 42, MedGen C0220710, MONDO:0008721, OMIM 201450.

Allele frequency attached by ClinVar (database versions not stated): gnomAD 0.00003; gnomAD exomes 0.00003 and 0.00014; ExAC 0.00008; TOPMed 0.00010.
gnomAD v4.1: 55 of 1,613,640 alleles (0.0034%); highest among the groups gnomAD compares: Admixed American, 0.083%; no homozygotes.

Submissions (12):

Labcorp Genetics (formerly Invitae), Labcorp
Classification: Pathogenic for Medium-chain acyl-coenzyme A dehydrogenase deficiency. Last evaluated: 2026-01-21. Review status: criteria provided, single submitter. Criteria: Invitae Variant Classification Sherloc (09022015). Collection method: clinical testing. Allele origin: germline.
Comment: This sequence change replaces arginine, which is basic and polar, with lysine, which is basic and polar, at codon 148 of the ACADM protein (p.Arg148Lys). This variant is present in population databases (rs778906552, gnomAD 0.1%). This missense change has been observed in individual(s) with medium chain acyl-CoA dehydrogenase deficiency (PMID: 20036593, 20434380, 22848008). ClinVar contains an entry for this variant (Variation ID: 198025). Invitae Evidence Modeling of protein sequence and biophysical properties (such as structural, functional, and spatial information, amino acid conservation, physicochemical variation, residue mobility, and thermodynamic stability) indicates that this missense variant is not expected to disrupt ACADM protein function with a negative predictive value of 80%. For these reasons, this variant has been classified as Pathogenic.

Natera, Inc.
Classification: Pathogenic for Medium Chain Acyl-CoA Dehydrogenase Deficiency. Last evaluated: 2025-09-30. Review status: criteria provided, single submitter. Criteria: Natera Variant Classification Schema (03/2026). Collection method: clinical testing. Allele origin: germline.
Comment: The c.443G>A variant in ACADM is a missense variant predicted to cause substitution of arginine to lysine at amino acid 148. This variant is rare in the general population with a frequency below the threshold expected for the associated phenotype(s). This variant has been observed in one or more individuals affected with the associated recessive disease, as either homozygous or compound heterozygous with a second variant (PMID: 20434380, 31836396, 18450854, 20036593, 40660651). Computational prediction algorithms indicate this variant is likely to affect gene or protein function. Given the available evidence, this variant is classified as Pathogenic.

Fulgent Genetics
Classification: Likely pathogenic for Medium-chain acyl-coenzyme A dehydrogenase deficiency. Last evaluated: 2024-05-24. Review status: criteria provided, single submitter. Criteria: ACMG Guidelines, 2015. Collection method: clinical testing. Allele origin: germline.

Baylor Genetics
Classification: Likely pathogenic for Medium-chain acyl-coenzyme A dehydrogenase deficiency. Last evaluated: 2024-03-30. Review status: criteria provided, single submitter. Criteria: ACMG Guidelines, 2015. Collection method: clinical testing. Allele origin: unknown.

Blueprint Genetics
Classification: Pathogenic for ACADM-related disorders. Last evaluated: 2024-02-26. Review status: criteria provided, single submitter. Criteria: ACMG Guidelines, 2015. Collection method: clinical testing. Allele origin: germline. Affected: yes. Observed: 1 variant allele.

Revvity Omics, Revvity
Classification: Likely pathogenic for Medium-chain acyl-coenzyme A dehydrogenase deficiency. Last evaluated: 2022-07-07. Review status: criteria provided, single submitter. Criteria: ACMG Guidelines, 2015. Collection method: clinical testing. Allele origin: germline.

GeneDx
Classification: Pathogenic. Last evaluated: 2022-06-09. Review status: criteria provided, single submitter. Criteria: GeneDx Variant Classification Process June 2021. Collection method: clinical testing. Allele origin: germline. Affected: yes.
Comment: In silico analysis supports that this missense variant has a deleterious effect on protein structure/function; Also known as p.(R123K); This variant is associated with the following publications: (PMID: 22848008, 18241067, 20036593, 27308838, 27477829, 23891399, 32778825, 20434380)

ARUP Laboratories, Molecular Genetics and Genomics, ARUP Laboratories
Classification: Pathogenic for Medium-chain acyl-coenzyme A dehydrogenase deficiency. Last evaluated: 2021-05-08. Review status: criteria provided, single submitter. Criteria: ARUP Molecular Germline Variant Investigation Process 2021. Collection method: clinical testing. Allele origin: germline.
Comment: The ACADM c.443G>A; p.Arg148Lys variant (rs778906552) has been described in the compound heterozygous state and homozygously in individuals affected with medium chain acyl-CoA dehydrogenase (MCAD) deficiency (Anderson 2012, Arnold 2010, Smith 2010). It is reported as pathogenic in ClinVar (Variation ID: 198025) and observed in the Latino population at an overall frequency of 0.1% (35/35428 alleles) in the Genome Aggregation Database. In vitro fatty acid beta-oxidation analysis on fibroblasts from an individual homozygous for this variant was consistent with intermediate MCAD deficiency (Smith 2010). Based on available information, this variant is considered to be pathogenic. REFERENCES Anderson S et al. Medium chain acyl-CoA dehydrogenase deficiency detected among Hispanics by New Jersey newborn screening. Am J Med Genet A. 2012 Sep;158A(9):2100-5. Arnold G et al. Lack of genotype-phenotype correlations and outcome in MCAD deficiency diagnosed by newborn screening in New York State. Mol Genet Metab. 2010 Mar;99(3):263-8. Smith E et al. Allelic diversity in MCAD deficiency: the biochemical classification of 54 variants identified during 5 years of ACADM sequencing. Mol Genet Metab. 2010 Jul;100(3):241-50.

Quest Diagnostics Nichols Institute San Juan Capistrano
Classification: Likely pathogenic. Last evaluated: 2020-09-17. Review status: criteria provided, single submitter. Criteria: Quest Diagnostics criteria. Collection method: clinical testing. Allele origin: unknown.
Comment: The frequency of this variant in the general population is consistent with pathogenicity. Found in at least one patient with expected phenotype for this gene. Computational tools predict that this variant is damaging. In multiple individuals, this variant has been seen with a single recessive pathogenic variant in the same gene, suggesting this variant may also be pathogenic. Assessment of experimental evidence regarding the effect of this variant on protein function is inconclusive.

Women's Health and Genetics/Laboratory Corporation of America, LabCorp
Classification: Pathogenic for Medium-chain acyl-coenzyme A dehydrogenase deficiency. Last evaluated: 2019-10-24. Review status: criteria provided, single submitter. Criteria: LabCorp Variant Classification Summary - May 2015. Collection method: clinical testing. Allele origin: germline.
Comment: Variant summary: ACADM c.443G>A (p.Arg148Lys) results in a conservative amino acid change located in the Acyl-CoA dehydrogenase/oxidase, N-terminal domain of the encoded protein sequence. Three of five in-silico tools predict a damaging effect of the variant on protein function. The variant allele was found at a frequency of 0.00014 in 251320 control chromosomes. This frequency is not significantly higher than expected for a pathogenic variant in ACADM causing Medium Chain Acyl-CoA Dehydrogenase Deficiency (0.00014 vs 0.0054), allowing no conclusion about variant significance. c.443G>A has been reported in the literature in multiple individuals affected with Medium Chain Acyl-CoA Dehydrogenase Deficiency (Anderson_2012, Smith_2010). These data indicate that the variant is very likely to be associated with disease. In vitro fatty acid beta-oxidation flux analysis of fibroblasts from one subject homozygous for the c.443G>A mutation demonstrated a phenotype consistent with intermediate MCAD deficiency (Smith_2010). Six ClinVar submissions (evaluation after 2014) cites the variant four times as pathogenic and twice as likely pathogenic. Based on the evidence outlined above, the variant was classified as pathogenic.

Eurofins Ntd Llc (ga)
Classification: Pathogenic. Last evaluated: 2015-10-02. Review status: criteria provided, single submitter. Criteria: EGL Classification Definitions. Collection method: clinical testing. Allele origin: germline. Observed: 4 variant alleles, 3 heterozygotes, 1 homozygote.

Counsyl
Classification: Likely pathogenic for Medium-chain acyl-coenzyme A dehydrogenase deficiency. Last evaluated: 2016-04-13. Review status: no assertion criteria provided. Collection method: clinical testing. Allele origin: unknown. Not counted in ClinVar's aggregate classification.

Literature cited by the submitters: PubMed 20036593 (cited by 4 submitters); PubMed 20434380 (cited by 5 submitters); PubMed 22848008 (cited by 3 submitters); PubMed 31836396 (cited by Natera, Inc. and Quest Diagnostics Nichols Institute San Juan Capistrano); PubMed 18450854 (cited by Natera, Inc.); PubMed 40660651 (cited by Natera, Inc.); PubMed 24718418 (cited by Quest Diagnostics Nichols Institute San Juan Capistrano); PubMed 18241067 (cited by Quest Diagnostics Nichols Institute San Juan Capistrano and Counsyl); PubMed 27477829 (cited by Quest Diagnostics Nichols Institute San Juan Capistrano); PubMed 21929648 (cited by Quest Diagnostics Nichols Institute San Juan Capistrano); PubMed 27308838 (cited by Quest Diagnostics Nichols Institute San Juan Capistrano); I:\T\Papers and Publications\ACADM\SIMD Abstracts has Herrel 2007 for c443GtoA pR148K.pdf (cited by Eurofins Ntd Llc (ga)).